The following is an entry in ClinVar:

ClinVar aggregate classification (germline): Conflicting classifications of pathogenicity. Review status: criteria provided, conflicting classifications (1 of 4 stars). 3 submissions from 3 submitters: Uncertain significance (1); Likely benign (1). 1 of the submissions does not count toward it. Last evaluated 2025-10-27.

Conditions:
PCDH19-related disorder. Also called: PCDH19-related condition.
Developmental and epileptic encephalopathy, 9 (DEE9). Also called: EPILEPSY, FEMALE-RESTRICTED, WITH MENTAL RETARDATION; JUBERG-HELLMAN SYNDROME; Early infantile epileptic encephalopathy 9; PCDH19-Related X-Linked Female-Limited Epilepsy with Mental Retardation. Identifiers: Orphanet 101039, Orphanet 2076, MedGen C1848137, MONDO:0010246, OMIM 300088. Disease mechanism: loss of function.

Allele frequency attached by ClinVar (database versions not stated): gnomAD exomes 0.00001 and 0.00004; ExAC 0.00006; gnomAD 0.00013 and 0.00015; TOPMed 0.00022; 1000 Genomes Project 0.00026; 1000 Genomes Project 30x 0.00042.
gnomAD v4.1: 24 of 1,209,743 alleles (0.002%); highest among the groups gnomAD compares: African/African-American, 0.042%; no homozygotes.

Submissions (3):

Labcorp Genetics (formerly Invitae), Labcorp
Classification: Uncertain significance for Developmental and epileptic encephalopathy, 9. Last evaluated: 2025-10-27. Review status: criteria provided, single submitter. Criteria: Invitae Variant Classification Sherloc (09022015). Collection method: clinical testing. Allele origin: germline.
Comment: This sequence change replaces proline, which is neutral and non-polar, with arginine, which is basic and polar, at codon 567 of the PCDH19 protein (p.Pro567Arg). This variant is present in population databases (rs201989363, gnomAD 0.06%). This variant has not been reported in the literature in individuals affected with PCDH19-related conditions. ClinVar contains an entry for this variant (Variation ID: 515827). Invitae Evidence Modeling of protein sequence and biophysical properties (such as structural, functional, and spatial information, amino acid conservation, physicochemical variation, residue mobility, and thermodynamic stability) has been performed for this missense variant. However, the output from this modeling did not meet the statistical confidence thresholds required to predict the impact of this variant on PCDH19 protein function. Experimental studies have shown that this missense change affects PCDH19 function (PMID: 34082468). In summary, the available evidence is currently insufficient to determine the role of this variant in disease. Therefore, it has been classified as a Variant of Uncertain Significance.

GeneDx
Classification: Likely benign. Last evaluated: 2018-03-09. Review status: criteria provided, single submitter. Criteria: GeneDx Variant Classification (06012015). Collection method: clinical testing. Allele origin: germline. Affected: yes.
Comment: This variant is considered likely benign or benign based on one or more of the following criteria: it is a conservative change, it occurs at a poorly conserved position in the protein, it is predicted to be benign by multiple in silico algorithms, and/or has population frequency not consistent with disease.

PreventionGenetics, part of Exact Sciences
Classification: Likely benign for PCDH19-related condition. Last evaluated: 2023-04-19. Review status: no assertion criteria provided. Collection method: clinical testing. Allele origin: germline. Not counted in ClinVar's aggregate classification.
Comment: This variant is classified as likely benign based on ACMG/AMP sequence variant interpretation guidelines (Richards et al. 2015 PMID: 25741868, with internal and published modifications).

Literature cited by the submitters: PubMed 34082468 (cited by Labcorp Genetics (formerly Invitae), Labcorp).

NM_001184880.2(PCDH19):c.1700C>G (p.Pro567Arg)

Gene: PCDH19 (protocadherin 19; minus strand). Cytogenetic location: Xq22.1.
Variant type: single nucleotide variant.
Coding change: c.1700C>G on transcript NM_001184880.2 (MANE Select); coding-DNA position 1700, C replaced by G.
Protein change: p.Pro567Arg; replaces proline 567 with arginine.
Molecular consequence: missense variant.
Genome position (GRCh38, 1-based): chrX:100,406,898, G>C on the plus strand (C>G on the coding strand, the complement: PCDH19 is on the minus strand). VCF-style: chrX-100406898-G-C. GRCh37 (hg19) VCF-style: chrX-99661896-G-C.
Other names: c.1700C>G, p.Pro567Arg (NM_001105243.2, NM_020766.3); short protein forms P567R.
Identifiers: ClinVar variation 515827 (VCV000515827.12), dbSNP rs201989363, ClinGen allele CA10468852.